The following is an entry in ClinVar:

ClinVar aggregate classification (germline): Uncertain significance. Review status: criteria provided, multiple submitters, no conflicts (2 of 4 stars). 2 submissions from 2 submitters: Uncertain significance (2). Last evaluated 2025-12-23.

gnomAD v4.1: 6 of 1,614,018 alleles (0.00037%); highest among the groups gnomAD compares: South Asian, 0.0011%; no homozygotes.

Submissions (2):

Women's Health and Genetics/Laboratory Corporation of America, LabCorp
Classification: Uncertain significance. Last evaluated: 2025-12-23. Review status: criteria provided, single submitter. Criteria: LabCorp Variant Classification Summary - May 2015. Collection method: clinical testing. Allele origin: germline.
Comment: Variant summary: ZNF423 c.446G>T (p.Arg149Leu) results in a non-conservative amino acid change located in the Zinc finger domain (IPR013087) of the encoded protein sequence. Algorithms developed to predict the effect of missense changes on protein structure and function are either unavailable or do not agree on the potential impact of this missense change. The variant allele was found at a frequency of 4e-06 in 251274 control chromosomes. The available data on variant occurrences in the general population are insufficient to allow any conclusion about variant significance. To our knowledge, no occurrence of c.446G>T in individuals affected with ZNF423-related conditions and no experimental evidence demonstrating its impact on protein function have been reported. ClinVar contains an entry for this variant (Variation ID: 3769141). Based on the evidence outlined above, the variant was classified as uncertain significance.

Blueprint Genetics
Classification: Uncertain significance. Last evaluated: 2024-10-23. Review status: criteria provided, single submitter. Criteria: ACMG Guidelines, 2015. Collection method: clinical testing. Allele origin: germline.

NM_001379286.1(ZNF423):c.470G>T (p.Arg157Leu)

Gene: ZNF423 (zinc finger protein 423; minus strand). Cytogenetic location: 16q12.1.
Variant type: single nucleotide variant.
Coding change: c.470G>T on transcript NM_001379286.1 (MANE Select); coding-DNA position 470, G replaced by T.
Protein change: p.Arg157Leu; replaces arginine 157 with leucine.
Molecular consequence: missense variant.
Genome position (GRCh38, 1-based): chr16:49,638,706, C>A on the plus strand (G>T on the coding strand, the complement: ZNF423 is on the minus strand). VCF-style: chr16-49638706-C-A. GRCh37 (hg19) VCF-style: chr16-49672617-C-A.
Other names: c.266G>T, p.Arg89Leu (NM_001271620.2); c.95G>T, p.Arg32Leu (NM_001330533.2); c.446G>T, p.Arg149Leu (NM_015069.5); short protein forms R149L, R157L, R32L, R89L.
Identifiers: ClinVar variation 3769141 (VCV003769141.4).